The following is an entry in ClinVar:

ClinVar aggregate classification (germline): Benign/Likely benign. Review status: criteria provided, multiple submitters, no conflicts (2 of 4 stars). 9 submissions from 9 submitters: Benign (5); Likely benign (2). 2 of the submissions do not count toward it. Last evaluated 2026-02-04.

Conditions:
Connective tissue disorder. Also called: Connective tissue disease. Identifiers: MedGen C0009782, MONDO:0003900.

Submissions (9):

Labcorp Genetics (formerly Invitae), Labcorp
Classification: Benign. Last evaluated: 2026-02-04. Review status: criteria provided, single submitter. Criteria: Invitae Variant Classification Sherloc (09022015). Collection method: clinical testing. Allele origin: germline.

Laboratory of Genetics, Children's Clinical University Hospital Latvia
Classification: Benign. Last evaluated: 2025-02-16. Review status: criteria provided, single submitter. Criteria: ACMG Guidelines, 2015. Collection method: clinical testing. Allele origin: germline. Affected: yes.

Blueprint Genetics
Classification: Likely benign. Last evaluated: 2024-11-26. Review status: criteria provided, single submitter. Criteria: ACMG Guidelines, 2015. Collection method: clinical testing. Allele origin: germline.

Mayo Clinic Laboratories, Mayo Clinic
Classification: Benign. Last evaluated: 2023-05-01. Review status: criteria provided, single submitter. Criteria: ACMG Guidelines, 2015. Collection method: clinical testing. Allele origin: germline. Observed: 6 variant alleles.
Comment: BA1, BS2

Genome Diagnostics Laboratory, The Hospital for Sick Children
Classification: Benign for Connective tissue disorder. Last evaluated: 2022-05-13. Review status: criteria provided, single submitter. Criteria: ACMG Guidelines, 2015. Collection method: clinical testing. Allele origin: germline.

GeneDx
Classification: Likely benign. Last evaluated: 2019-08-10. Review status: criteria provided, single submitter. Criteria: GeneDx Variant Classification Process June 2021. Collection method: clinical testing. Allele origin: germline. Affected: yes.

Eurofins Ntd Llc (ga)
Classification: Benign. Last evaluated: 2015-04-02. Review status: criteria provided, single submitter. Criteria: EGL Classification Definitions. Collection method: clinical testing. Allele origin: germline. Observed: 1 variant allele, 1 heterozygote.

Genome Diagnostics Laboratory, University Medical Center Utrecht
Classification: Likely benign. Review status: no assertion criteria provided. Collection method: clinical testing. Allele origin: germline. Affected: yes. Study: VKGL Data-share Consensus. Not counted in ClinVar's aggregate classification.

Laboratory of Diagnostic Genome Analysis, Leiden University Medical Center (LUMC)
Classification: Likely benign. Review status: no assertion criteria provided. Collection method: clinical testing. Allele origin: germline. Affected: yes. Study: VKGL Data-share Consensus. Not counted in ClinVar's aggregate classification.

NM_001854.4(COL11A1):c.652-6dup

Gene: COL11A1 (collagen type XI alpha 1 chain; minus strand). Cytogenetic location: 1p21.1.
Variant type: Duplication.
Coding change: c.652-6dup on transcript NM_001854.4 (MANE Select); 6 bases into the intron before coding-DNA position 652, one base duplicated (T; older notation c.652-6dupT).
Molecular consequence: intron variant.
Genome position (GRCh38, 1-based): chr1:103,031,250, A duplicated on the plus strand (T on the coding strand, the reverse complement: COL11A1 is on the minus strand); the first of 13 consecutive A bases (chr1:103,031,250-103,031,262); duplicating any one gives the same sequence. VCF-style (leftmost placement, unchanged base first): chr1-103031249-G-GA. GRCh37 (hg19) VCF-style: chr1-103496805-G-GA.
Other names: p.?; c.652-6dup (NM_001190709.2, NM_080629.3, NM_080630.4).
Identifiers: ClinVar variation 197736 (VCV000197736.26), dbSNP rs36076089, ClinGen allele CA203052.
Genomic context (GRCh38, chr1:103,031,249, plus strand): 5'-CAGTAGTCATATGCTGCCTTGGGATCACCTGTGATCAAAAACTGCTGAATGTCCCCCTGG[G>GA]AAAAAAAAAAAAACAAAAACAAACAGACACAGATTCAGTTAGCATATTAAAGTACACATA-3'